The following is an entry in ClinVar:

ClinVar aggregate classification (germline): Uncertain significance (1 of 4 stars; one submission).

Conditions:
Hereditary cancer-predisposing syndrome. Also called: Hereditary neoplastic syndrome; Hereditary Cancer Syndrome; Neoplastic Syndromes, Hereditary; Tumor predisposition. Identifiers: Orphanet 140162, MedGen C0027672, MeSH D009386, MONDO:0015356.

Submission:

Ambry Genetics
Classification: Uncertain significance for Hereditary cancer-predisposing syndrome. Last evaluated: 2015-01-09. Review status: criteria provided, single submitter. Criteria: Ambry Variant Classification Scheme 2023. Collection method: clinical testing. Allele origin: germline.
Comment: The p.R850G variant (also known as c.2548C>G), located in coding exon 16 of the RAD50 gene, results from a C to G substitution at nucleotide position 2548. The arginine at codon 850 is replaced by glycine, an amino acid with dissimilar properties. This variant was not reported in population based cohorts in the following databases: Database of Single Nucleotide Polymorphisms (dbSNP), NHLBI Exome Sequencing Project (ESP), and 1000 Genomes Project. In the ESP, this variant was not observed in 6503 samples (13006 alleles) with coverage at this position. To date, this alteration has been detected with an allele frequency of approximately 0.003% (greater than 40,000 alleles tested) in our clinical cohort. This amino acid position is well conserved in available vertebrate species. In addition, this alteration is predicted to be benign by PolyPhen but deleterious by SIFT in silico analyses, respectively. Since supporting evidence is limited at this time, the clinical significance of p.R850G remains unclear.

NM_005732.4(RAD50):c.2548C>G (p.Arg850Gly)

Gene: RAD50 (RAD50 double strand break repair protein; plus strand). Cytogenetic location: 5q31.1.
Variant type: single nucleotide variant.
Coding change: c.2548C>G on transcript NM_005732.4 (MANE Select); coding-DNA position 2548, C replaced by G.
Protein change: p.Arg850Gly; replaces arginine 850 with glycine.
Molecular consequence: missense variant.
Genome position (GRCh38, 1-based): chr5:132,604,829, C>G. VCF-style: chr5-132604829-C-G. GRCh37 (hg19) VCF-style: chr5-131940521-C-G.
Other names: short protein forms R850G.
Identifiers: ClinVar variation 230013 (VCV000230013.5), dbSNP rs181961360, ClinGen allele CA10578569.